The following is an entry in ClinVar:

ClinVar aggregate classification (germline): Uncertain significance. Review status: criteria provided, multiple submitters, no conflicts (2 of 4 stars). 2 submissions from 2 submitters: Uncertain significance (2). Last evaluated 2025-10-12.

Conditions:
Inborn genetic diseases. Identifiers: MedGen C0950123, MeSH D030342.

Allele frequency attached by ClinVar (database versions not stated): gnomAD exomes 0.00003; ExAC 0.00002; TOPMed 0.00002.

Submissions (2):

Labcorp Genetics (formerly Invitae), Labcorp
Classification: Uncertain significance. Last evaluated: 2025-10-12. Review status: criteria provided, single submitter. Criteria: Invitae Variant Classification Sherloc (09022015). Collection method: clinical testing. Allele origin: germline.
Comment: This sequence change replaces arginine, which is basic and polar, with tryptophan, which is neutral and slightly polar, at codon 442 of the MBD4 protein (p.Arg442Trp). This variant is present in population databases (rs769817977, gnomAD 0.006%). This variant has not been reported in the literature in individuals affected with MBD4-related conditions. ClinVar contains an entry for this variant (Variation ID: 2871982). An algorithm developed to predict the effect of missense changes on protein structure and function (PolyPhen-2) suggests that this variant is likely to be tolerated. Algorithms developed to predict the effect of sequence changes on RNA splicing suggest that this variant may disrupt the consensus splice site. In summary, the available evidence is currently insufficient to determine the role of this variant in disease. Therefore, it has been classified as a Variant of Uncertain Significance.

Ambry Genetics
Classification: Uncertain significance for Inborn genetic diseases. Last evaluated: 2024-12-13. Review status: criteria provided, single submitter. Criteria: Ambry Variant Classification Scheme 2023. Collection method: clinical testing. Allele origin: germline.
Comment: The p.R436W variant (also known as c.1306C>T), located in coding exon 5 of the MBD4 gene, results from a C to T substitution at nucleotide position 1306. The arginine at codon 436 is replaced by tryptophan, an amino acid with dissimilar properties. This amino acid position is highly conserved in available vertebrate species. In addition, the in silico prediction for this alteration is inconclusive. Based on the available evidence, the clinical significance of this variant remains unclear.

NM_001276270.2(MBD4):c.1306C>T (p.Arg436Trp)

Gene: MBD4 (methyl-CpG binding domain 4, DNA glycosylase; minus strand). Cytogenetic location: 3q21.3.
Variant type: single nucleotide variant.
Coding change: c.1306C>T on transcript NM_001276270.2 (MANE Select); coding-DNA position 1306, C replaced by T.
Protein change: p.Arg436Trp; replaces arginine 436 with tryptophan.
Molecular consequence: missense variant.
Genome position (GRCh38, 1-based): chr3:129,433,937, G>A on the plus strand (C>T on the coding strand, the complement: MBD4 is on the minus strand). VCF-style: chr3-129433937-G-A. GRCh37 (hg19) VCF-style: chr3-129152780-G-A.
Other names: c.1324C>T, p.Arg442Trp (NM_001276271.2, NM_001276272.2, NM_003925.3); c.370C>T, p.Arg124Trp (NM_001276273.2); short protein forms R436W, R124W, R442W.
Identifiers: ClinVar variation 2871982 (VCV002871982.4), dbSNP rs769817977, ClinGen allele CA2605330.